The following is an entry in ClinVar:

NM_004247.4(EFTUD2):c.863T>C (p.Leu288Ser)

Gene: EFTUD2 (elongation factor Tu GTP binding domain containing 2; minus strand). Cytogenetic location: 17q21.31.
Variant type: single nucleotide variant.
Coding change: c.863T>C on transcript NM_004247.4 (MANE Select); coding-DNA position 863, T replaced by C.
Protein change: p.Leu288Ser; replaces leucine 288 with serine.
Molecular consequence: missense variant.
Genome position (GRCh38, 1-based): chr17:44,875,940, A>G on the plus strand (T>C on the coding strand, the complement: EFTUD2 is on the minus strand). VCF-style: chr17-44875940-A-G. GRCh37 (hg19) VCF-style: chr17-42953308-A-G.
Other names: c.758T>C, p.Leu253Ser (NM_001142605.2); c.863T>C, p.Leu288Ser (NM_001258353.2); c.833T>C, p.Leu278Ser (NM_001258354.2); short protein forms L253S, L278S, L288S.
Identifiers: ClinVar variation 3768100 (VCV003768100.1).

ClinVar aggregate classification (germline): Uncertain significance (1 of 4 stars; one submission).

Submission:

Women's Health and Genetics/Laboratory Corporation of America, LabCorp
Classification: Uncertain significance. Last evaluated: 2024-12-27. Review status: criteria provided, single submitter. Criteria: LabCorp Variant Classification Summary - May 2015. Collection method: clinical testing. Allele origin: germline.
Comment: Variant summary: EFTUD2 c.863T>C (p.Leu288Ser) results in a non-conservative amino acid change located in the Translational (tr)-type guanine nucleotide-binding (G) domain profile domain (IPR000795) of the encoded protein sequence. Four of five in-silico tools predict a damaging effect of the variant on protein function. The variant was absent in 251188 control chromosomes. The available data on variant occurrences in the general population are insufficient to allow any conclusion about variant significance. To our knowledge, no occurrence of c.863T>C in individuals affected with Mandibulofacial Dysostosis-Microcephaly Syndrome and no experimental evidence demonstrating its impact on protein function have been reported. No submitters have cited clinical-significance assessments for this variant to ClinVar. Based on the evidence outlined above, the variant was classified as uncertain significance.